The following is an entry in ClinVar:

ClinVar aggregate classification (germline): Uncertain significance (1 of 4 stars; one submission).

Conditions:
RASopathy. Also called: Noonan spectrum disorder; rasopathies. Identifiers: Orphanet 536391, MedGen C5555857, MONDO:0021060.

Submission:

Labcorp Genetics (formerly Invitae), Labcorp
Classification: Uncertain significance for RASopathy. Last evaluated: 2023-03-14. Review status: criteria provided, single submitter. Criteria: Invitae Variant Classification Sherloc (09022015). Collection method: clinical testing. Allele origin: unknown.
Comment: In summary, the available evidence is currently insufficient to determine the role of this variant in disease. Therefore, it has been classified as a Variant of Uncertain Significance. Isolated whole-gene copy number gains of MAP2K2 have not been reported in the literature. However, larger copy number events that include this gene have been reported (PMID: 25974318). A copy number gain of the genomic region encompassing the full coding sequence of the MAP2K2 gene has been identified. The boundaries of this event are unknown as they extend beyond the assayed region for this gene and therefore may encompass additional genes. As the precise location of this event is unknown, it may be in tandem or it may be located elsewhere in the genome.

Literature cited by the submitters: PubMed 25974318.

NC_000019.9:g.(?_4090596)_(4171966_?)dup

Genes: CREB3L3 (cAMP responsive element binding protein 3 like 3; plus strand), MAP2K2 (mitogen-activated protein kinase kinase 2; minus strand). Cytogenetic location: 19p13.3.
Variant type: Duplication.
Identifiers: ClinVar variation 3248517 (VCV003248517.1).